The following is an entry in ClinVar:

NM_001783.4(CD79A):c.611G>A (p.Arg204Gln)

Genes: CD79A (CD79a molecule; plus strand), RPS19-CD79A (RPS19-CD79A readthrough; plus strand). Cytogenetic location: 19q13.2.
Variant type: single nucleotide variant.
Coding change: c.611G>A on transcript NM_001783.4 (MANE Select); coding-DNA position 611, G replaced by A.
Protein change: p.Arg204Gln; replaces arginine 204 with glutamine.
Molecular consequence: missense variant.
Genome position (GRCh38, 1-based): chr19:41,880,910, G>A. VCF-style: chr19-41880910-G-A. GRCh37 (hg19) VCF-style: chr19-42384977-G-A.
Other names: c.497G>A, p.Arg166Gln (NM_021601.4); c.611G>A (NM_001783.3); short protein forms R166Q, R204Q.
Identifiers: ClinVar variation 1487071 (VCV001487071.7), dbSNP rs782624281, ClinGen allele CA9465689.

ClinVar aggregate classification (germline): Uncertain significance. Review status: criteria provided, multiple submitters, no conflicts (2 of 4 stars). 2 submissions from 2 submitters: Uncertain significance (2). Last evaluated 2023-07-12.

Conditions:
Agammaglobulinemia 3, autosomal recessive (AGM3). Also called: AGAMMAGLOBULINEMIA 3; AGAMMAGLOBULINEMIA, AUTOSOMAL RECESSIVE, DUE TO CD79A DEFECT. Identifiers: MedGen C3150751, MONDO:0013288, OMIM 613501.

Allele frequency attached by ClinVar (database versions not stated): TOPMed below 0.00001; gnomAD exomes 0.00001.
gnomAD v4.1: 7 of 1,605,078 alleles (0.00044%); highest among the groups gnomAD compares: East Asian, 0.0022%; no homozygotes.

Submissions (2):

Ambry Genetics
Classification: Uncertain significance. Last evaluated: 2023-07-12. Review status: criteria provided, single submitter. Criteria: Ambry Variant Classification Scheme 2023. Collection method: clinical testing. Allele origin: germline.

Labcorp Genetics (formerly Invitae), Labcorp
Classification: Uncertain significance for Agammaglobulinemia 3, autosomal recessive. Last evaluated: 2021-08-24. Review status: criteria provided, single submitter. Criteria: Invitae Variant Classification Sherloc (09022015). Collection method: clinical testing. Allele origin: germline.
Comment: This sequence change replaces arginine with glutamine at codon 204 of the CD79A protein (p.Arg204Gln). The arginine residue is highly conserved and there is a small physicochemical difference between arginine and glutamine. The frequency data for this variant in the population databases is considered unreliable, as metrics indicate poor data quality at this position in the ExAC database. This variant has not been reported in the literature in individuals affected with CD79A-related conditions. Algorithms developed to predict the effect of missense changes on protein structure and function are either unavailable or do not agree on the potential impact of this missense change (SIFT: "Deleterious"; PolyPhen-2: "Probably Damaging"; Align-GVGD: "Class C0"). In summary, the available evidence is currently insufficient to determine the role of this variant in disease. Therefore, it has been classified as a Variant of Uncertain Significance.